The following is an entry in ClinVar:

ClinVar aggregate classification (germline): Uncertain significance (1 of 4 stars; one submission).

Conditions:
Glycogen storage disease IXd (GSD9D). Also called: Muscle Phosphorylase Kinase Deficiency; GSD IXd. Identifiers: Orphanet 715, MedGen C1845151, MONDO:0010362, OMIM 300559.

Allele frequency attached by ClinVar (database versions not stated): gnomAD exomes below 0.00001; gnomAD 0.00002.
gnomAD v4.1: 6 of 1,208,415 alleles (0.0005%); highest among the groups gnomAD compares: Non-Finnish European, 0.00067%; no homozygotes.

Submission:

Labcorp Genetics (formerly Invitae), Labcorp
Classification: Uncertain significance for Glycogen storage disease IXd. Last evaluated: 2023-11-11. Review status: criteria provided, single submitter. Criteria: Invitae Variant Classification Sherloc (09022015). Collection method: clinical testing. Allele origin: germline.
Comment: This sequence change replaces glutamic acid, which is acidic and polar, with aspartic acid, which is acidic and polar, at codon 69 of the PHKA1 protein (p.Glu69Asp). This variant is present in population databases (no rsID available, gnomAD 0.001%). This variant has not been reported in the literature in individuals affected with PHKA1-related conditions. Advanced modeling of protein sequence and biophysical properties (such as structural, functional, and spatial information, amino acid conservation, physicochemical variation, residue mobility, and thermodynamic stability) performed at Invitae indicates that this missense variant is not expected to disrupt PHKA1 protein function with a negative predictive value of 80%. In summary, the available evidence is currently insufficient to determine the role of this variant in disease. Therefore, it has been classified as a Variant of Uncertain Significance.

NM_002637.4(PHKA1):c.207G>C (p.Glu69Asp)

Gene: PHKA1 (phosphorylase kinase regulatory subunit alpha 1; minus strand). Cytogenetic location: Xq13.1.
Variant type: single nucleotide variant.
Coding change: c.207G>C on transcript NM_002637.4 (MANE Select); coding-DNA position 207, G replaced by C.
Protein change: p.Glu69Asp; replaces glutamic acid 69 with aspartic acid.
Molecular consequence: missense variant.
Genome position (GRCh38, 1-based): chrX:72,712,809, C>G on the plus strand (G>C on the coding strand, the complement: PHKA1 is on the minus strand). VCF-style: chrX-72712809-C-G. GRCh37 (hg19) VCF-style: chrX-71932651-C-G.
Other names: c.207G>C, p.Glu69Asp (NM_001122670.2, NM_001172436.2); short protein forms E69D.
Identifiers: ClinVar variation 2967041 (VCV002967041.3), dbSNP rs1556335270, ClinGen allele CA413641492.
Genomic context (GRCh38, chrX:72,712,809, plus strand): 5'-CAGATCTCTTTGTATTTTTATTTTGAGTACCTGCTCCAATTCATAGGCCTTTGCCTTATC[C>G]TCATCCCGGTCTGCATTCTTCCGATAGGCCAGGCCCAAACCCCACACAGCCAAGATGCTG-3'
Protein context (NP_002628.2, residues 59-79): LAYRKNADRD[Glu69Asp]DKAKAYELEQ